The following is an entry in ClinVar:

ClinVar aggregate classification (germline): Uncertain significance. Review status: criteria provided, single submitter (1 of 4 stars). 2 submissions from 2 submitters: Uncertain significance (1). 1 of the submissions does not count toward it. Last evaluated 2025-08-13.

Conditions:
LRIG1-related disorder. Also called: LRIG1-related condition.

Allele frequency attached by ClinVar (database versions not stated): 1000 Genomes Project 0.00200; 1000 Genomes Project 30x 0.00234; gnomAD 0.00273; TOPMed 0.00275; ESP Exome Variant Server 0.00315; gnomAD exomes 0.00022; ExAC 0.00075.
gnomAD v4.1: 748 of 1,614,068 alleles (0.046%); highest among the groups gnomAD compares: African/African-American, 0.93%; 3 homozygotes.

Submissions (2):

Ambry Genetics
Classification: Uncertain significance. Last evaluated: 2025-08-13. Review status: criteria provided, single submitter. Criteria: Ambry Variant Classification Scheme 2023. Collection method: clinical testing. Allele origin: germline.

PreventionGenetics, part of Exact Sciences
Classification: Likely benign for LRIG1-related condition. Last evaluated: 2019-10-21. Review status: no assertion criteria provided. Collection method: clinical testing. Allele origin: germline. Not counted in ClinVar's aggregate classification.
Comment: This variant is classified as likely benign based on ACMG/AMP sequence variant interpretation guidelines (Richards et al. 2015 PMID: 25741868, with internal and published modifications).

NM_015541.3(LRIG1):c.1515G>A (p.Met505Ile)

Gene: LRIG1 (leucine rich repeats and immunoglobulin like domains 1; minus strand). Cytogenetic location: 3p14.1.
Variant type: single nucleotide variant.
Coding change: c.1515G>A on transcript NM_015541.3 (MANE Select); coding-DNA position 1515, G replaced by A.
Protein change: p.Met505Ile; replaces methionine 505 with isoleucine.
Molecular consequence: missense variant.
Genome position (GRCh38, 1-based): chr3:66,386,255, C>T on the plus strand (G>A on the coding strand, the complement: LRIG1 is on the minus strand). VCF-style: chr3-66386255-C-T. GRCh37 (hg19) VCF-style: chr3-66436679-C-T.
Other names: c.1440G>A, p.Met480Ile (NM_001377344.1); c.735G>A, p.Met245Ile (NM_001377345.1, NM_001377346.1); c.513G>A, p.Met171Ile (NM_001377347.1); c.486G>A, p.Met162Ile (NM_001377348.1); c.231G>A, p.Met77Ile (NM_001377349.1); short protein forms M162I, M171I, M245I, M480I, M505I, M77I.
Identifiers: ClinVar variation 3039687 (VCV003039687.3), dbSNP rs149080122, ClinGen allele CA2484708.